The following is an entry in ClinVar:

ClinVar aggregate classification (germline): Conflicting classifications of pathogenicity. Review status: criteria provided, conflicting classifications (1 of 4 stars). 2 submissions from 2 submitters: Uncertain significance (1); Likely benign (1). Last evaluated 2024-07-22.

gnomAD v4.1: 7 of 1,614,144 alleles (0.00043%); highest among the groups gnomAD compares: Non-Finnish European, 0.00051%; no homozygotes.

Submissions (2):

Labcorp Genetics (formerly Invitae), Labcorp
Classification: Uncertain significance. Last evaluated: 2024-07-22. Review status: criteria provided, single submitter. Criteria: Invitae Variant Classification Sherloc (09022015). Collection method: clinical testing. Allele origin: germline.
Comment: This sequence change falls in intron 40 of the COL4A1 gene. It does not directly change the encoded amino acid sequence of the COL4A1 protein. It affects a nucleotide within the consensus splice site. This variant is present in population databases (rs767136760, gnomAD 0.007%). This variant has not been reported in the literature in individuals affected with COL4A1-related conditions. Variants that disrupt the consensus splice site are a relatively common cause of aberrant splicing (PMID: 17576681, 9536098). Algorithms developed to predict the effect of sequence changes on RNA splicing suggest that this variant is not likely to affect RNA splicing. In summary, the available evidence is currently insufficient to determine the role of this variant in disease. Therefore, it has been classified as a Variant of Uncertain Significance.

Blueprint Genetics
Classification: Likely benign. Last evaluated: 2024-06-27. Review status: criteria provided, single submitter. Criteria: ACMG Guidelines, 2015. Collection method: clinical testing. Allele origin: germline.

Literature cited by the submitters: PubMed 17576681 (cited by Labcorp Genetics (formerly Invitae), Labcorp); PubMed 9536098 (cited by Labcorp Genetics (formerly Invitae), Labcorp).

NM_001845.6(COL4A1):c.3505+4T>C

Gene: COL4A1 (collagen type IV alpha 1 chain; minus strand). Cytogenetic location: 13q34.
Variant type: single nucleotide variant.
Coding change: c.3505+4T>C on transcript NM_001845.6 (MANE Select); 4 bases into the intron after coding-DNA position 3505, T replaced by C.
Molecular consequence: intron variant.
Genome position (GRCh38, 1-based): chr13:110,173,896, A>G on the plus strand (T>C on the coding strand, the complement: COL4A1 is on the minus strand). VCF-style: chr13-110173896-A-G. GRCh37 (hg19) VCF-style: chr13-110826243-A-G.
Identifiers: ClinVar variation 3718438 (VCV003718438.3).